The following is an entry in ClinVar:

ClinVar aggregate classification (germline): Uncertain significance (1 of 4 stars; one submission).

Conditions:
Inborn genetic diseases. Identifiers: MedGen C0950123, MeSH D030342.

Allele frequency attached by ClinVar (database versions not stated): gnomAD exomes below 0.00001 and 0.00001; gnomAD 0.00001.

Submission:

Ambry Genetics
Classification: Uncertain significance for Inborn genetic diseases. Last evaluated: 2020-05-15. Review status: criteria provided, single submitter. Criteria: Ambry Variant Classification Scheme 2023. Collection method: clinical testing. Allele origin: germline.
Comment: The alteration results in an amino acid change:_x000D_ _x000D_ The c.520G>A (p.E174K) alteration is located in coding exon 5 of the SYP gene. This alteration results from a G to A substitution at nucleotide position 520, causing the glutamic acid (E) at amino acid position 174 to be replaced by a lysine (K). The alteration is rare in population databases: _x000D_ _x000D_ Based on data from the Genome Aggregation Database (gnomAD), the c.520G>A alteration was observed in 0.00055% (1/182044) of total alleles studied, The altered amino acid is not conserved throughout evolution:_x000D_ _x000D_ The p.E174 amino acid is not conserved in available vertebrate species. The alteration is predicted tolerated by in silico modeling:_x000D_ _x000D_ The p.E174K alteration is predicted to be tolerated by in silico analysis. Based on insufficient or conflicting evidence, the clinical significance of this alteration remains unclear.

NM_003179.3(SYP):c.520G>A (p.Glu174Lys)

Gene: SYP (synaptophysin; minus strand). Cytogenetic location: Xp11.23.
Variant type: single nucleotide variant.
Coding change: c.520G>A on transcript NM_003179.3 (MANE Select); coding-DNA position 520, G replaced by A.
Protein change: p.Glu174Lys; replaces glutamic acid 174 with lysine.
Molecular consequence: missense variant.
Genome position (GRCh38, 1-based): chrX:49,193,367, C>T on the plus strand (G>A on the coding strand, the complement: SYP is on the minus strand). VCF-style: chrX-49193367-C-T. GRCh37 (hg19) VCF-style: chrX-49049824-C-T.
Other names: short protein forms E174K.
Identifiers: ClinVar variation 208678 (VCV000208678.5), dbSNP rs797044879, ClinGen allele CA204661.
Genomic context (GRCh38, chrX:49,193,367, plus strand): 5'-TCAGCTCCTTGCATGTGTTCCCTGTCTGGCGGCAGACAGGCATCTCCTTGATAATGTTCT[C>T]TGGGTCTGTGGCCATCTTCACATCTGACAGCCCCTTGGCCCATGCCGATGAGCTAACTAG-3'
Protein context (NP_003170.1, residues 164-184): LSDVKMATDP[Glu174Lys]NIIKEMPVCR